The following is an entry in ClinVar:

NM_005235.3(ERBB4):c.3196T>C (p.Tyr1066His)

Gene: ERBB4 (erb-b2 receptor tyrosine kinase 4; minus strand). Cytogenetic location: 2q34.
Variant type: single nucleotide variant.
Coding change: c.3196T>C on transcript NM_005235.3 (MANE Select); coding-DNA position 3196, T replaced by C.
Protein change: p.Tyr1066His; replaces tyrosine 1066 with histidine.
Molecular consequence: missense variant.
Genome position (GRCh38, 1-based): chr2:211,387,138, A>G on the plus strand (T>C on the coding strand, the complement: ERBB4 is on the minus strand). VCF-style: chr2-211387138-A-G. GRCh37 (hg19) VCF-style: chr2-212251863-A-G.
Other names: c.3148T>C, p.Tyr1050His (NM_001042599.2); c.3166T>C, p.Tyr1056His (NM_001439005.1); c.3118T>C, p.Tyr1040His (NM_001439006.1); short protein forms Y1050H, Y1056H, Y1066H, Y1040H.
Identifiers: ClinVar variation 4736887 (VCV004736887.1).
Genomic context (GRCh38, chr2:211,387,138, plus strand): 5'-TAGTTGGGGCTCTGTAGGGCACAGACACTCCTTGTTCAGCAGCAAAACCTCCATCTCGGT[A>G]TACAAACTGGTTCTGTTAATAAGAGAAACATATGTGGAGAGAAGGCGTTGTTAGAAATAG-3'
Protein context (NP_005226.1, residues 1056-1076): YTPMSGNQFV[Tyr1066His]RDGGFAAEQG

ClinVar aggregate classification (germline): Uncertain significance (1 of 4 stars; one submission).

gnomAD v4.1: 5 of 1,613,340 alleles (0.00031%); highest among the groups gnomAD compares: Non-Finnish European, 0.00034%; no homozygotes.

Submission:

Labcorp Genetics (formerly Invitae), Labcorp
Classification: Uncertain significance. Last evaluated: 2025-05-26. Review status: criteria provided, single submitter. Criteria: Invitae Variant Classification Sherloc (09022015). Collection method: clinical testing. Allele origin: germline.
Comment: This sequence change replaces tyrosine, which is neutral and polar, with histidine, which is basic and polar, at codon 1066 of the ERBB4 protein (p.Tyr1066His). This variant is present in population databases (no rsID available, gnomAD 0.0009%). This variant has not been reported in the literature in individuals affected with ERBB4-related conditions. An algorithm developed to predict the effect of missense changes on protein structure and function (PolyPhen-2) suggests that this variant is likely to be disruptive. In summary, the available evidence is currently insufficient to determine the role of this variant in disease. Therefore, it has been classified as a Variant of Uncertain Significance.